The following is an entry in ClinVar:

NM_001160372.4(TRAPPC9):c.940G>A (p.Ala314Thr)

Gene: TRAPPC9 (trafficking protein particle complex subunit 9; minus strand). Cytogenetic location: 8q24.3.
Variant type: single nucleotide variant.
Coding change: c.940G>A on transcript NM_001160372.4 (MANE Select); coding-DNA position 940, G replaced by A.
Protein change: p.Ala314Thr; replaces alanine 314 with threonine.
Molecular consequence: missense variant. On other transcripts: non-coding transcript variant (1).
Genome position (GRCh38, 1-based): chr8:140,405,645, C>T on the plus strand (G>A on the coding strand, the complement: TRAPPC9 is on the minus strand). VCF-style: chr8-140405645-C-T. GRCh37 (hg19) VCF-style: chr8-141415744-C-T.
Other names: c.913G>A, p.Ala305Thr (NM_001321646.2); c.961G>A, p.Ala321Thr (NM_001374682.1); c.940G>A, p.Ala314Thr (NM_001374683.1, NM_001374684.1, NM_031466.8); short protein forms A314T, A412T, A305T, A321T.
Identifiers: ClinVar variation 362088 (VCV000362088.15), dbSNP rs762765901, ClinGen allele CA4893582.
Genomic context (GRCh38, chr8:140,405,645, plus strand): 5'-AATAGGAAATCGCCTCTTTATACTTGTCAATTATGTCTTCAGGGCTAAGGCAGTTCTTAG[C>T]ACGTCCGATCTCAGTACTGGTGTCAGGGTTGATGCCATTGGTGGTGAGGGCACCTGCAAA-3'
Protein context (NP_001153844.1, residues 304-324): NPDTSTEIGR[Ala314Thr]KNCLSPEDII

ClinVar aggregate classification (germline): Uncertain significance. Review status: criteria provided, multiple submitters, no conflicts (2 of 4 stars). 5 submissions from 5 submitters: Uncertain significance (4). 1 of the submissions does not count toward it. Last evaluated 2025-02-27.

Conditions:
Intellectual developmental disorder, autosomal recessive 13. Also called: Intellectual disability, autosomal recessive 13. Identifiers: Orphanet 88616, MedGen C2750791, MONDO:0013173, OMIM 613192.
Inborn genetic diseases. Identifiers: MedGen C0950123, MeSH D030342.
Intellectual disability. Also called: intellectual disabilities; Intellectual functioning disability; Intellectual developmental disorder. Identifiers: MedGen C3714756, MeSH D008607, MONDO:0001071, HP:0001249.

Allele frequency attached by ClinVar (database versions not stated): TOPMed 0.00005; gnomAD exomes 0.00006 and 0.00003; gnomAD 0.00005 and 0.00004; ExAC 0.00003.
gnomAD v4.1: 96 of 1,614,094 alleles (0.0059%); highest among the groups gnomAD compares: Non-Finnish European, 0.0076%; no homozygotes.

Submissions (5):

Ambry Genetics
Classification: Uncertain significance for Inborn genetic diseases. Last evaluated: 2025-02-27. Review status: criteria provided, single submitter. Criteria: Ambry Variant Classification Scheme 2023. Collection method: clinical testing. Allele origin: germline.

Labcorp Genetics (formerly Invitae), Labcorp
Classification: Uncertain significance. Last evaluated: 2022-10-05. Review status: criteria provided, single submitter. Criteria: Invitae Variant Classification Sherloc (09022015). Collection method: clinical testing. Allele origin: germline.
Comment: This sequence change replaces alanine, which is neutral and non-polar, with threonine, which is neutral and polar, at codon 412 of the TRAPPC9 protein (p.Ala412Thr). This variant is present in population databases (rs762765901, gnomAD 0.008%). This variant has not been reported in the literature in individuals affected with TRAPPC9-related conditions. ClinVar contains an entry for this variant (Variation ID: 362088). Algorithms developed to predict the effect of missense changes on protein structure and function are either unavailable or do not agree on the potential impact of this missense change (SIFT: "Not Available"; PolyPhen-2: "Probably Damaging"; Align-GVGD: "Not Available"). In summary, the available evidence is currently insufficient to determine the role of this variant in disease. Therefore, it has been classified as a Variant of Uncertain Significance.

Baylor Genetics
Classification: Uncertain significance for Intellectual developmental disorder, autosomal recessive 13. Last evaluated: 2022-09-22. Review status: criteria provided, single submitter. Criteria: ACMG Guidelines, 2015. Collection method: clinical testing. Allele origin: unknown.

Wangler Lab, Baylor College of Medicine
Classification: Uncertain significance for Intellectual developmental disorder, autosomal recessive 13. Review status: criteria provided, single submitter. Criteria: ACMG Guidelines, 2015. Collection method: clinical testing. Allele origin: paternal. Inheritance: Autosomal recessive inheritance. Affected: yes. Observed: 1 heterozygote.
Comment: The missense TRAPPC9 variant at c.940G>A (p.A314T) was seen on exome through the Texome project (R01HG011795). This rare variant has been observed in gnomAD with a frequency of <0.001% in the heterozygous state and has not been observed in the homozygous state (PM2).This missense variant has an inconclusive theoretical prediction score (CADD: 20.900). The evolutionary conservation of this residue is high. We classify this variant as VUS.

Centre de Biologie Pathologie Génétique, Centre Hospitalier Universitaire de Lille
Classification: Uncertain significance for Intellectual disability. Last evaluated: 2019-01-01. Review status: no assertion criteria provided. Collection method: clinical testing. Allele origin: unknown. Affected: yes. Not counted in ClinVar's aggregate classification.